The following is an entry in ClinVar:

NM_031935.3(HMCN1):c.12169A>C (p.Met4057Leu)

Gene: HMCN1 (hemicentin 1; plus strand). Cytogenetic location: 1q31.1.
Variant type: single nucleotide variant.
Coding change: c.12169A>C on transcript NM_031935.3 (MANE Select); coding-DNA position 12169, A replaced by C.
Protein change: p.Met4057Leu; replaces methionine 4057 with leucine.
Molecular consequence: missense variant.
Genome position (GRCh38, 1-based): chr1:186,120,085, A>C. VCF-style: chr1-186120085-A-C. GRCh37 (hg19) VCF-style: chr1-186089217-A-C.
Other names: short protein forms M4057L.
Identifiers: ClinVar variation 1945843 (VCV001945843.5), dbSNP rs777379616, ClinGen allele CA343949190.

ClinVar aggregate classification (germline): Uncertain significance (1 of 4 stars; one submission).

Submission:

Labcorp Genetics (formerly Invitae), Labcorp
Classification: Uncertain significance. Last evaluated: 2022-08-17. Review status: criteria provided, single submitter. Criteria: Invitae Variant Classification Sherloc (09022015). Collection method: clinical testing. Allele origin: germline.
Comment: In summary, the available evidence is currently insufficient to determine the role of this variant in disease. Therefore, it has been classified as a Variant of Uncertain Significance. Algorithms developed to predict the effect of missense changes on protein structure and function output the following: SIFT: "Tolerated"; PolyPhen-2: "Benign"; Align-GVGD: "Class C0". The leucine amino acid residue is found in multiple mammalian species, which suggests that this missense change does not adversely affect protein function. This variant has not been reported in the literature in individuals affected with HMCN1-related conditions. This variant is not present in population databases (gnomAD no frequency). This sequence change replaces methionine, which is neutral and non-polar, with leucine, which is neutral and non-polar, at codon 4057 of the HMCN1 protein (p.Met4057Leu).